The following is an entry in ClinVar:

NM_000170.3(GLDC):c.2729C>T (p.Ser910Leu)

Gene: GLDC (glycine decarboxylase; minus strand). Cytogenetic location: 9p24.1.
Variant type: single nucleotide variant.
Coding change: c.2729C>T on transcript NM_000170.3 (MANE Select); coding-DNA position 2729, C replaced by T.
Protein change: p.Ser910Leu; replaces serine 910 with leucine.
Molecular consequence: missense variant.
Genome position (GRCh38, 1-based): chr9:6,536,173, G>A on the plus strand (C>T on the coding strand, the complement: GLDC is on the minus strand). VCF-style: chr9-6536173-G-A. GRCh37 (hg19) VCF-style: chr9-6536173-G-A.
Other names: short protein forms S910L.
Identifiers: ClinVar variation 554516 (VCV000554516.12), dbSNP rs759933539, ClinGen allele CA4980087.

ClinVar aggregate classification (germline): Conflicting classifications of pathogenicity. Review status: criteria provided, conflicting classifications (1 of 4 stars). 3 submissions from 3 submitters: Pathogenic (1); Uncertain significance (1). 1 of the submissions does not count toward it. Last evaluated 2026-01-21.

Conditions:
Glycine encephalopathy 1 (GCE1). Identifiers: MedGen CN376801, MONDO:0958179, OMIM 605899.
Glycine encephalopathy. Also called: Non-ketotic hyperglycinemia; Nonketotic hyperglycinemia. Identifiers: Orphanet 407, MedGen C0751748, MONDO:0011612, HP:0008288.

Allele frequency attached by ClinVar (database versions not stated): gnomAD exomes below 0.00001; ExAC 0.00001.
gnomAD v4.1: 4 of 1,614,048 alleles (0.00025%); highest among the groups gnomAD compares: Admixed American, 0.0017%; no homozygotes.

Submissions (3):

Labcorp Genetics (formerly Invitae), Labcorp
Classification: Pathogenic for Glycine encephalopathy. Last evaluated: 2026-01-21. Review status: criteria provided, single submitter. Criteria: Invitae Variant Classification Sherloc (09022015). Collection method: clinical testing. Allele origin: germline.
Comment: This sequence change replaces serine, which is neutral and polar, with leucine, which is neutral and non-polar, at codon 910 of the GLDC protein (p.Ser910Leu). This variant is present in population databases (rs759933539, gnomAD 0.003%). This missense change has been observed in individual(s) with nonketotic hyperglycinemia (PMID: 27362913). In at least one individual the data is consistent with being in trans (on the opposite chromosome) from a pathogenic variant. ClinVar contains an entry for this variant (Variation ID: 554516). Invitae Evidence Modeling of protein sequence and biophysical properties (such as structural, functional, and spatial information, amino acid conservation, physicochemical variation, residue mobility, and thermodynamic stability) indicates that this missense variant is expected to disrupt GLDC protein function with a positive predictive value of 95%. For these reasons, this variant has been classified as Pathogenic.

Women's Health and Genetics/Laboratory Corporation of America, LabCorp
Classification: Uncertain significance. Last evaluated: 2025-09-26. Review status: criteria provided, single submitter. Criteria: LabCorp Variant Classification Summary - May 2015. Collection method: clinical testing. Allele origin: germline.
Comment: Variant summary: GLDC c.2729C>T (p.Ser910Leu) results in a non-conservative amino acid change in the encoded protein sequence. Algorithms developed to predict the effect of missense changes on protein structure and function all suggest that this variant is likely to be disruptive. The variant allele was found at a frequency of 4e-06 in 250828 control chromosomes. The available data on variant occurrences in the general population are insufficient to allow any conclusion about variant significance. c.2729C>T has been observed in the presumed compound heterozygous state in at least 1 individual(s) affected with Glycine Encephalopathy (Non-Ketotic Hyperglycinemia) (Coughlin_2017). These data do not allow any conclusion about variant significance. To our knowledge, no experimental evidence demonstrating an impact on protein function has been reported. ClinVar contains an entry for this variant (Variation ID: 554516). Based on the evidence outlined above, the variant was classified as uncertain significance.

Counsyl
Classification: Uncertain significance for Glycine encephalopathy 1. Last evaluated: 2017-10-24. Review status: no assertion criteria provided. Collection method: clinical testing. Allele origin: unknown. Not counted in ClinVar's aggregate classification.

Literature cited by the submitters: PubMed 27362913 (cited by 3 submitters); PubMed 32421718 (cited by Women's Health and Genetics/Laboratory Corporation of America, LabCorp).